The following is an entry in ClinVar:

ClinVar aggregate classification (germline): Likely pathogenic (1 of 4 stars; one submission).

Allele frequency attached by ClinVar (database versions not stated): gnomAD exomes below 0.00001.
gnomAD v4.1: 1 of 1,614,184 alleles (0.000062%); no homozygotes.

Submission:

Labcorp Genetics (formerly Invitae), Labcorp
Classification: Likely pathogenic. Last evaluated: 2021-04-05. Review status: criteria provided, single submitter. Criteria: Invitae Variant Classification Sherloc (09022015). Collection method: clinical testing. Allele origin: germline.
Comment: In summary, the currently available evidence indicates that the variant is pathogenic, but additional data are needed to prove that conclusively. Therefore, this variant has been classified as Likely Pathogenic. Algorithms developed to predict the effect of sequence changes on RNA splicing suggest that this variant may disrupt the consensus splice site, but this prediction has not been confirmed by published transcriptional studies. This variant has not been reported in the literature in individuals with ELP1-related conditions. This variant is not present in population databases (ExAC no frequency). This sequence change affects a donor splice site in intron 23 of the ELP1 gene. It is expected to disrupt RNA splicing. Variants that disrupt the donor or acceptor splice site typically lead to a loss of protein function (PMID: 16199547), and loss-of-function variants in ELP1 are known to be pathogenic (PMID: 18303054, 24173031).

Literature cited by the submitters: PubMed 16199547; PubMed 18303054; PubMed 24173031.

NM_003640.5(ELP1):c.2501+1G>A

Gene: ELP1 (elongator acetyltransferase complex subunit 1; minus strand). Cytogenetic location: 9q31.3.
Variant type: single nucleotide variant.
Coding change: c.2501+1G>A on transcript NM_003640.5 (MANE Select); the canonical splice donor site of the intron after coding-DNA position 2501, G replaced by A.
Molecular consequence: splice donor variant.
Genome position (GRCh38, 1-based): chr9:108,897,147, C>T on the plus strand (G>A on the coding strand, the complement: ELP1 is on the minus strand). VCF-style: chr9-108897147-C-T. GRCh37 (hg19) VCF-style: chr9-111659427-C-T.
Other names: c.2159+1G>A (NM_001318360.2); c.1454+1G>A (NM_001330749.2).
Identifiers: ClinVar variation 1349536 (VCV001349536.8), dbSNP rs2131981589, ClinGen allele CA374420882.